The following is an entry in ClinVar:

NM_031407.7(HUWE1):c.448C>T (p.Arg150Cys)

Gene: HUWE1 (HECT, UBA and WWE domain containing E3 ubiquitin protein ligase 1; minus strand). Cytogenetic location: Xp11.22.
Variant type: single nucleotide variant.
Coding change: c.448C>T on transcript NM_031407.7 (MANE Select); coding-DNA position 448, C replaced by T.
Protein change: p.Arg150Cys; replaces arginine 150 with cysteine.
Molecular consequence: missense variant.
Genome position (GRCh38, 1-based): chrX:53,645,367, G>A on the plus strand (C>T on the coding strand, the complement: HUWE1 is on the minus strand). VCF-style: chrX-53645367-G-A. GRCh37 (hg19) VCF-style: chrX-53672319-G-A.
Other names: short protein forms R150C.
Identifiers: ClinVar variation 3375959 (VCV003375959.3).

ClinVar aggregate classification (germline): Uncertain significance. Review status: criteria provided, multiple submitters, no conflicts (2 of 4 stars). 2 submissions from 2 submitters: Uncertain significance (2). Last evaluated 2026-10-19.

Conditions:
Intellectual developmental disorder, X-linked, syndromic, Turner type. Also called: Intellectual disability, X-linked syndromic, Turner type; X-linked intellectual disability, Turner type. Identifiers: Orphanet 3056, Orphanet 85328, MedGen C2678046, MONDO:0010407, OMIM 309590.

Submissions (2):

GeneDx
Classification: Uncertain significance. Last evaluated: 2026-10-19. Review status: criteria provided, single submitter. Criteria: GeneDx Variant Classification Process June 2021. Collection method: clinical testing. Allele origin: germline.
Comment: Not observed at significant frequency in large population cohorts (gnomAD); In silico analysis supports that this missense variant has a deleterious effect on protein structure/function; Has not been previously published as pathogenic or benign to our knowledge

Victorian Clinical Genetics Services, Murdoch Childrens Research Institute
Classification: Uncertain significance for Intellectual developmental disorder, X-linked, syndromic, Turner type. Last evaluated: 2026-03-29. Review status: criteria provided, single submitter. Criteria: ACMG Guidelines, 2015. Collection method: clinical testing. Allele origin: germline. Affected: yes.
Comment: This variant is classified as VUS-3B. Evidence in support of pathogenic classification: Variant is absent from gnomAD (v2, v3 and v4); Missense variant predicted to be damaging by in silico tool(s) or highly conserved with a major amino acid change. Additional information: Variant is predicted to result in a missense amino acid change from Arg to Cys; This variant is hemizygous; This gene is associated with X-linked disease. Due to skewed X-inactivation, females with heterozygous variants can be variably affected, with symptoms ranging from asymptomatic to full manifestation of the condition (PMID: 29180823); Previous evidence of pathogenicity for this variant is inconclusive. This variant has been classified once as a VUS by a clinical laboratory (ClinVar). This variant has been reported in a hemizygous state in an individual displaying HUWE1-related features, however it was classified as a VUS (DECIPHER); No published evidence of segregation with disease has been identified for this variant; No published functional evidence has been identified for this variant; Another missense variant comparable to the one identified in this case has inconclusive previous evidence for pathogenicity. The p.(Arg150His) variant has been classified once as a VUS by a clinical laboratory (ClinVar); Variant is located in the annotated DUF908 domain (DECIPHER); Loss of function and gain of function are known mechanisms of disease in this gene and are associated with intellectual developmental disorder, X-linked syndromic, Turner type (MIM#309590) (PMID: 27130160); Variants in this gene are known to have variable expressivity (OMIM).

Literature cited by the submitters: PubMed 27130160 (cited by Victorian Clinical Genetics Services, Murdoch Childrens Research Institute); PubMed 29180823 (cited by Victorian Clinical Genetics Services, Murdoch Childrens Research Institute).